The following is an entry in ClinVar:

NM_005477.3(HCN4):c.1114C>G (p.Arg372Gly)

Genes: HCN4 (hyperpolarization activated cyclic nucleotide gated potassium channel 4; minus strand), LOC105370890 (uncharacterized LOC105370890; plus strand), LOC126862173 (CDK7 strongly-dependent group 2 enhancer GRCh37_chr15:73635762-73636961; plus strand). Cytogenetic location: 15q24.1.
Variant type: single nucleotide variant.
Coding change: c.1114C>G on transcript NM_005477.3 (MANE Select); coding-DNA position 1114, C replaced by G.
Protein change: p.Arg372Gly; replaces arginine 372 with glycine.
Molecular consequence: missense variant. On other transcripts: non-coding transcript variant (1).
Genome position (GRCh38, 1-based): chr15:73,343,480, G>C on the plus strand (C>G on the coding strand, the complement: HCN4 is on the minus strand). VCF-style: chr15-73343480-G-C. GRCh37 (hg19) VCF-style: chr15-73635821-G-C.
Other names: short protein forms R372G.
Identifiers: ClinVar variation 3856997 (VCV003856997.1).

ClinVar aggregate classification (germline): Uncertain significance (1 of 4 stars; one submission).

Conditions:
Cardiovascular phenotype. Identifiers: MedGen CN230736.

Submission:

Ambry Genetics
Classification: Uncertain significance for Cardiovascular phenotype. Last evaluated: 2025-02-13. Review status: criteria provided, single submitter. Criteria: Ambry Variant Classification Scheme 2023. Collection method: clinical testing. Allele origin: germline.
Comment: The p.R372G variant (also known as c.1114C>G), located in coding exon 2 of the HCN4 gene, results from a C to G substitution at nucleotide position 1114. The arginine at codon 372 is replaced by glycine, an amino acid with dissimilar properties. This amino acid position is conserved. In addition, this alteration is predicted to be deleterious by in silico analysis. Based on the available evidence, the clinical significance of this variant remains unclear.